The following is an entry in ClinVar:

NM_000203.5(IDUA):c.471C>T (p.Ser157=)

Gene: IDUA (alpha-L-iduronidase; plus strand). Cytogenetic location: 4p16.3.
Variant type: single nucleotide variant.
Coding change: c.471C>T on transcript NM_000203.5 (MANE Select); coding-DNA position 471, C replaced by T.
Protein change: p.Ser157=; no amino-acid change (serine 157 retained).
Molecular consequence: synonymous variant. On other transcripts: non-coding transcript variant (1).
Genome position (GRCh38, 1-based): chr4:1,000,967, C>T. VCF-style: chr4-1000967-C-T. GRCh37 (hg19) VCF-style: chr4-994755-C-T.
Other names: c.75C>T, p.Ser25= (NM_001363576.1).
Identifiers: ClinVar variation 2906012 (VCV002906012.2), dbSNP rs2534079529, ClinGen allele CA437918879.

ClinVar aggregate classification (germline): Uncertain significance (1 of 4 stars; one submission).

Conditions:
Mucopolysaccharidosis type 1. Also called: IDUA deficiency; MPS I. Identifiers: Orphanet 579, MedGen C0023786, MONDO:0001586.

Allele frequency attached by ClinVar (database versions not stated): gnomAD exomes below 0.00001.
gnomAD v4.1: 1 of 1,612,996 alleles (0.000062%); highest among the groups gnomAD compares: Non-Finnish European, 0.000085%; no homozygotes.

Submission:

Labcorp Genetics (formerly Invitae), Labcorp
Classification: Uncertain significance for Mucopolysaccharidosis type 1. Last evaluated: 2022-10-28. Review status: criteria provided, single submitter. Criteria: Invitae Variant Classification Sherloc (09022015). Collection method: clinical testing. Allele origin: germline.
Comment: This sequence change affects codon 157 of the IDUA mRNA. It is a 'silent' change, meaning that it does not change the encoded amino acid sequence of the IDUA protein. This variant is not present in population databases (gnomAD no frequency). This variant has not been reported in the literature in individuals affected with IDUA-related conditions. Algorithms developed to predict the effect of sequence changes on RNA splicing suggest that this variant may disrupt the consensus splice site. In summary, the available evidence is currently insufficient to determine the role of this variant in disease. Therefore, it has been classified as a Variant of Uncertain Significance.